The following is an entry in ClinVar:

ClinVar aggregate classification (germline): Likely pathogenic. Review status: criteria provided, single submitter (1 of 4 stars). 2 submissions from 2 submitters: Likely pathogenic (1). 1 of the submissions does not count toward it.

Conditions:
Deficiency of butyrylcholinesterase (BCHED). Also called: Deficiency of butyrylcholine esterase; BCHE, silent 1; Acholinesterasemia; Butyrylcholinesterase deficiency. Identifiers: Orphanet 132, MedGen C1283400, MONDO:0015270, OMIM 617936.

Allele frequency attached by ClinVar (database versions not stated): gnomAD exomes 0.00002 and 0.00020; gnomAD 0.00005; TOPMed 0.00007; ExAC 0.00023.
gnomAD v4.1: 41 of 1,613,492 alleles (0.0025%); highest among the groups gnomAD compares: East Asian, 0.087%; no homozygotes.

Submissions (2):

Juno Genomics, Hangzhou Juno Genomics, Inc
Classification: Likely pathogenic for Deficiency of butyrylcholinesterase. Review status: criteria provided, single submitter. Criteria: ACMG Guidelines, 2015. Collection method: clinical testing. Allele origin: germline.
Comment: Multiple lines of computational evidence support a deleterious effect on the gene or gene product.;For recessive disorders, detected in trans with a pathogenic variant.;Patient's phenotype or family history is highly specific for a disease with a single genetic etiology.

Counsyl
Classification: Uncertain significance for Deficiency of butyrylcholinesterase. Last evaluated: 2017-04-21. Review status: no assertion criteria provided. Collection method: clinical testing. Allele origin: unknown. Not counted in ClinVar's aggregate classification.

Literature cited by the submitters: PubMed 15563885 (cited by Counsyl).

NM_000055.4(BCHE):c.1504T>C (p.Phe502Leu)

Gene: BCHE (butyrylcholinesterase; minus strand). Cytogenetic location: 3q26.1.
Variant type: single nucleotide variant.
Coding change: c.1504T>C on transcript NM_000055.4 (MANE Select); coding-DNA position 1504, T replaced by C.
Protein change: p.Phe502Leu; replaces phenylalanine 502 with leucine.
Molecular consequence: missense variant. On other transcripts: non-coding transcript variant (1).
Genome position (GRCh38, 1-based): chr3:165,829,530, A>G on the plus strand (T>C on the coding strand, the complement: BCHE is on the minus strand). VCF-style: chr3-165829530-A-G. GRCh37 (hg19) VCF-style: chr3-165547318-A-G.
Other names: short protein forms F502L.
Identifiers: ClinVar variation 550009 (VCV000550009.4), dbSNP rs769316835, ClinGen allele CA2692295.